The following is an entry in ClinVar:

ClinVar aggregate classification (germline): Uncertain significance. Review status: criteria provided, multiple submitters, no conflicts (2 of 4 stars). 2 submissions from 2 submitters: Uncertain significance (2). Last evaluated 2025-12-03.

Conditions:
Brugada syndrome. Also called: Sudden Unexplained Death Syndrome; Sudden Unexplained Nocturnal Death Syndrome (SUNDS); Sudden unexplained nocturnal death syndrome; Sudden unexpected nocturnal death syndrome. Identifiers: Orphanet 130, MedGen C1142166, MONDO:0015263.
Cardiovascular phenotype. Identifiers: MedGen CN230736.

Allele frequency attached by ClinVar (database versions not stated): gnomAD 0.00001; gnomAD exomes 0.00001 and 0.00002; TOPMed 0.00001; ExAC 0.00002.

Submissions (2):

Labcorp Genetics (formerly Invitae), Labcorp
Classification: Uncertain significance for Brugada syndrome. Last evaluated: 2025-12-03. Review status: criteria provided, single submitter. Criteria: Invitae Variant Classification Sherloc (09022015). Collection method: clinical testing. Allele origin: germline.
Comment: This sequence change replaces glutamic acid, which is acidic and polar, with lysine, which is basic and polar, at codon 129 of the GPD1L protein (p.Glu129Lys). This variant is present in population databases (rs751477655, gnomAD 0.01%). This variant has not been reported in the literature in individuals affected with GPD1L-related conditions. ClinVar contains an entry for this variant (Variation ID: 1361683). An algorithm developed to predict the effect of missense changes on protein structure and function (PolyPhen-2) suggests that this variant is likely to be tolerated. In summary, the available evidence is currently insufficient to determine the role of this variant in disease. Therefore, it has been classified as a Variant of Uncertain Significance.

Ambry Genetics
Classification: Uncertain significance for Cardiovascular phenotype. Last evaluated: 2021-05-18. Review status: criteria provided, single submitter. Criteria: Ambry Variant Classification Scheme 2023. Collection method: clinical testing. Allele origin: germline.
Comment: The p.E129K variant (also known as c.385G>A), located in coding exon 4 of the GPD1L gene, results from a G to A substitution at nucleotide position 385. The glutamic acid at codon 129 is replaced by lysine, an amino acid with similar properties. This amino acid position is not well conserved in available vertebrate species. In addition, this alteration is predicted to be tolerated by in silico analysis. Since supporting evidence is limited at this time, the clinical significance of this alteration remains unclear.

NM_015141.4(GPD1L):c.385G>A (p.Glu129Lys)

Gene: GPD1L (glycerol-3-phosphate dehydrogenase 1 like; plus strand). Cytogenetic location: 3p22.3.
Variant type: single nucleotide variant.
Coding change: c.385G>A on transcript NM_015141.4 (MANE Select); coding-DNA position 385, G replaced by A.
Protein change: p.Glu129Lys; replaces glutamic acid 129 with lysine.
Molecular consequence: missense variant.
Genome position (GRCh38, 1-based): chr3:32,140,246, G>A. VCF-style: chr3-32140246-G-A. GRCh37 (hg19) VCF-style: chr3-32181738-G-A.
Other names: short protein forms E129K.
Identifiers: ClinVar variation 1361683 (VCV001361683.10), dbSNP rs751477655, ClinGen allele CA2296637.